The following is an entry in ClinVar:

NM_001130987.2(DYSF):c.4004A>T (p.Asn1335Ile)

Gene: DYSF (dysferlin; plus strand). Cytogenetic location: 2p13.2.
Variant type: single nucleotide variant.
Coding change: c.4004A>T on transcript NM_001130987.2 (MANE Select); coding-DNA position 4004, A replaced by T.
Protein change: p.Asn1335Ile; replaces asparagine 1335 with isoleucine.
Molecular consequence: missense variant.
Genome position (GRCh38, 1-based): chr2:71,611,291, A>T. VCF-style: chr2-71611291-A-T. GRCh37 (hg19) VCF-style: chr2-71838421-A-T.
Other names: c.3953A>T, p.Asn1318Ile (NM_001130455.2, NM_001130983.2); c.3908A>T, p.Asn1303Ile (NM_001130976.2, NM_001130977.2); c.3950A>T, p.Asn1317Ile (NM_001130978.2, NM_003494.4); c.4043A>T, p.Asn1348Ile (NM_001130979.2); c.4001A>T, p.Asn1334Ile (NM_001130980.2, NM_001130981.2); c.4046A>T, p.Asn1349Ile (NM_001130982.2); c.3911A>T, p.Asn1304Ile (NM_001130984.2, NM_001130986.2); c.4004A>T, p.Asn1335Ile (NM_001130985.2); short protein forms N1303I, N1304I, N1317I, N1318I, N1334I, N1335I, N1348I, N1349I.
Identifiers: ClinVar variation 4682204 (VCV004682204.1).

ClinVar aggregate classification (germline): Uncertain significance (1 of 4 stars; one submission).

gnomAD v4.1: 3 of 1,614,008 alleles (0.00019%); highest among the groups gnomAD compares: Non-Finnish European, 0.00025%; no homozygotes.

Submission:

Athena Diagnostics
Classification: Uncertain significance. Last evaluated: 2025-07-31. Review status: criteria provided, single submitter. Criteria: Athena Diagnostics Criteria. Collection method: clinical testing. Allele origin: unknown.
Comment: Available data are insufficient to determine the clinical significance of the variant at this time. This variant has not been reported in large, multi-ethnic general populations. Polyphen and MutationTaster predict this amino acid change may be damaging to the protein.